The following is an entry in ClinVar:

ClinVar aggregate classification (germline): Uncertain significance (1 of 4 stars; one submission).

Conditions:
Long QT syndrome (LQTS). Identifiers: MedGen C0023976, MeSH D008133, MONDO:0002442. Disease mechanism: loss of function. Inheritance: Various modes of inheritance.

gnomAD v4.1: 1 of 1,613,518 alleles (0.000062%); highest among the groups gnomAD compares: Non-Finnish European, 0.000085%; no homozygotes.

Submission:

All of Us Research Program, National Institutes of Health
Classification: Uncertain significance for Long QT syndrome. Last evaluated: 2023-05-30. Review status: criteria provided, single submitter. Criteria: ACMG Guidelines, 2015. Collection method: clinical testing. Allele origin: germline. Inheritance: Autosomal dominant inheritance. Observed: 1 variant allele, 1 heterozygote.
Comment: This variant causes a C to A nucleotide substitution at the -3 position of intron 11 of the KCNQ1 gene. Splice site prediction tools predict that this variant may have a significant impact on RNA splicing. To our knowledge, RNA studies have not been reported for this variant. This variant has not been reported in individuals affected with KCNQ1-related disorders in the literature. This variant has not been identified in the general population by the Genome Aggregation Database (gnomAD). The available evidence is insufficient to determine the role of this variant in disease conclusively. Therefore, this variant is classified as a Variant of Uncertain Significance.

This study involves interpretation of variants in research participants for the purpose of population health screening. Participant phenotype was not available at the time of variant classification. Additional details can be found in publication PMID: 35346344, PMCID: PMC8962531

NM_000218.3(KCNQ1):c.1515-3C>A

Gene: KCNQ1 (potassium voltage-gated channel subfamily Q member 1; plus strand). Cytogenetic location: 11p15.5.
Variant type: single nucleotide variant.
Coding change: c.1515-3C>A on transcript NM_000218.3 (MANE Select); 3 bases into the intron before coding-DNA position 1515, C replaced by A.
Molecular consequence: intron variant.
Genome position (GRCh38, 1-based): chr11:2,768,841, C>A. VCF-style: chr11-2768841-C-A. GRCh37 (hg19) VCF-style: chr11-2790071-C-A.
Other names: c.1245-3C>A (NM_001406837.1); c.1419-3C>A (NM_001406836.1); c.975-3C>A (NM_001406838.1); c.1134-3C>A (NM_181798.2).
Identifiers: ClinVar variation 3071366 (VCV003071366.1), dbSNP rs1564886312, ClinGen allele CA2612008601.